The following is an entry in ClinVar:

ClinVar aggregate classification (germline): Uncertain significance. Review status: criteria provided, multiple submitters, no conflicts (2 of 4 stars). 3 submissions from 3 submitters: Uncertain significance (3). Last evaluated 2025-01-27.

Conditions:
Cardiovascular phenotype. Identifiers: MedGen CN230736.
Hypertrophic cardiomyopathy. Also called: HYPERTROPHIC MYOCARDIOPATHY. Identifiers: Orphanet 217569, MedGen C0007194, MeSH D002312, MONDO:0005045, HP:0001639.

Allele frequency attached by ClinVar (database versions not stated): ExAC 0.00001.
gnomAD v4.1: 6 of 1,611,994 alleles (0.00037%); highest among the groups gnomAD compares: African/African-American, 0.0027%; no homozygotes.

Submissions (3):

Ambry Genetics
Classification: Uncertain significance for Cardiovascular phenotype. Last evaluated: 2025-01-27. Review status: criteria provided, single submitter. Criteria: Ambry Variant Classification Scheme 2023. Collection method: clinical testing. Allele origin: germline.
Comment: The p.R1263Q variant (also known as c.3788G>A), located in coding exon 33 of the MYBPC3 gene, results from a G to A substitution at nucleotide position 3788. The arginine at codon 1263 is replaced by glutamine, an amino acid with highly similar properties. This amino acid position is poorly conserved in available vertebrate species. In addition, this alteration is predicted to be tolerated by in silico analysis. Based on the available evidence, the clinical significance of this variant remains unclear.

All of Us Research Program, National Institutes of Health
Classification: Uncertain significance for Hypertrophic cardiomyopathy. Last evaluated: 2024-07-20. Review status: criteria provided, single submitter. Criteria: ACMG Guidelines, 2015. Collection method: clinical testing. Allele origin: germline. Inheritance: Autosomal dominant inheritance. Observed: 1 variant allele, 1 heterozygote.
Comment: This missense variant replaces arginine with glutamine at codon 1263 of the MYBPC3 protein. Computational prediction tools indicate that this variant has a neutral impact on protein structure and function. To our knowledge, functional studies have not been reported for this variant. This variant has not been reported in individuals affected with MYBPC3-related disorders in the literature. This variant has been identified in 2/279472 chromosomes in the general population by the Genome Aggregation Database (gnomAD). The available evidence is insufficient to determine the role of this variant in disease conclusively. Therefore, this variant is classified as a Variant of Uncertain Significance.

This study involves interpretation of variants in research participants for the purpose of population health screening. Participant phenotype was not available at the time of variant classification. Additional details can be found in publication PMID: 35346344, PMCID: PMC8962531

Labcorp Genetics (formerly Invitae), Labcorp
Classification: Uncertain significance for Hypertrophic cardiomyopathy. Last evaluated: 2022-01-19. Review status: criteria provided, single submitter. Criteria: Invitae Variant Classification Sherloc (09022015). Collection method: clinical testing. Allele origin: germline.
Comment: This variant is present in population databases (rs781180230, gnomAD 0.004%). This sequence change replaces arginine, which is basic and polar, with glutamine, which is neutral and polar, at codon 1263 of the MYBPC3 protein (p.Arg1263Gln). This variant has not been reported in the literature in individuals affected with MYBPC3-related conditions. Algorithms developed to predict the effect of missense changes on protein structure and function output the following: SIFT: "Tolerated"; PolyPhen-2: "Benign"; Align-GVGD: "Class C0". The glutamine amino acid residue is found in multiple mammalian species, which suggests that this missense change does not adversely affect protein function. In summary, the available evidence is currently insufficient to determine the role of this variant in disease. Therefore, it has been classified as a Variant of Uncertain Significance.

NM_000256.3(MYBPC3):c.3788G>A (p.Arg1263Gln)

Gene: MYBPC3 (myosin binding protein C3; minus strand). Cytogenetic location: 11p11.2.
Variant type: single nucleotide variant.
Coding change: c.3788G>A on transcript NM_000256.3 (MANE Select); coding-DNA position 3788, G replaced by A.
Protein change: p.Arg1263Gln; replaces arginine 1263 with glutamine.
Molecular consequence: missense variant.
Genome position (GRCh38, 1-based): chr11:47,332,098, C>T on the plus strand (G>A on the coding strand, the complement: MYBPC3 is on the minus strand). VCF-style: chr11-47332098-C-T. GRCh37 (hg19) VCF-style: chr11-47353649-C-T.
Other names: short protein forms R1263Q.
Identifiers: ClinVar variation 2146113 (VCV002146113.6), dbSNP rs781180230, ClinGen allele CA054961.
Genomic context (GRCh38, chr11:47,332,098, plus strand): 5'-CATCTCCCAGGCCCTGGCCCCGAGGGCTCCTCACCTCGCACCTCCAGGCGGCACTCACAC[C>T]GTGCCTCGCCCTGTAAGTTGGTGGCCCTGCAGACATAGATGCCCCCGTCAAAGGGGCAGG-3'
Protein context (NP_000247.2, residues 1253-1273): CRATNLQGEA[Arg1263Gln]CECRLEVRVP